The following is an entry in ClinVar:

NM_177438.3(DICER1):c.2832A>T (p.Arg944=)

Gene: DICER1 (dicer 1, ribonuclease III; minus strand). Cytogenetic location: 14q32.13.
Variant type: single nucleotide variant.
Coding change: c.2832A>T on transcript NM_177438.3 (MANE Select); coding-DNA position 2832, A replaced by T.
Protein change: p.Arg944=; no amino-acid change (arginine 944 retained).
Molecular consequence: synonymous variant.
Genome position (GRCh38, 1-based): chr14:95,106,196, T>A on the plus strand (A>T on the coding strand, the complement: DICER1 is on the minus strand). VCF-style: chr14-95106196-T-A. GRCh37 (hg19) VCF-style: chr14-95572533-T-A.
Other names: c.2832A>T, p.Arg944= (NM_001195573.1, NM_001271282.3, NM_001291628.2 and 1 more transcripts).
Identifiers: ClinVar variation 479622 (VCV000479622.17), dbSNP rs532529506, ClinGen allele CA7331159.

ClinVar aggregate classification (germline): Benign/Likely benign. Review status: criteria provided, multiple submitters, no conflicts (2 of 4 stars). 3 submissions from 3 submitters: Benign (1); Likely benign (2). Last evaluated 2026-04-16.

Conditions:
DICER1-related tumor predisposition. Also called: DICER1-related pleuropulmonary blastoma cancer predisposition syndrome; DICER1 syndrome. Identifiers: Orphanet 284343, MedGen C3839822, MONDO:0100216.
Hereditary cancer-predisposing syndrome. Also called: Hereditary neoplastic syndrome; Neoplastic Syndromes, Hereditary; Hereditary Cancer Syndrome; Tumor predisposition. Identifiers: Orphanet 140162, MedGen C0027672, MeSH D009386, MONDO:0015356.

Allele frequency attached by ClinVar (database versions not stated): ExAC 0.00003; 1000 Genomes Project 0.00020; gnomAD exomes 0.00002; 1000 Genomes Project 30x 0.00016; TOPMed 0.00002; gnomAD 0.00004.
gnomAD v4.1: 7 of 1,614,012 alleles (0.00043%); highest among the groups gnomAD compares: African/African-American, 0.0093%; no homozygotes.

Submissions (3):

Myriad Genetics, Inc.
Classification: Benign for DICER1-related tumor predisposition. Last evaluated: 2026-04-16. Review status: criteria provided, single submitter. Criteria: Myriad Autosomal Dominant, Autosomal Recessive and X-Linked Classification Criteria (2023). Collection method: clinical testing. Allele origin: unknown.
Comment: This variant is considered benign. This variant is a silent/synonymous amino acid change and it is not expected to impact splicing.

Labcorp Genetics (formerly Invitae), Labcorp
Classification: Likely benign for DICER1-related tumor predisposition. Last evaluated: 2024-11-05. Review status: criteria provided, single submitter. Criteria: Invitae Variant Classification Sherloc (09022015). Collection method: clinical testing. Allele origin: germline.

Ambry Genetics
Classification: Likely benign for Hereditary cancer-predisposing syndrome. Last evaluated: 2017-06-28. Review status: criteria provided, single submitter. Criteria: Ambry Variant Classification Scheme 2023. Collection method: clinical testing. Allele origin: germline.